The following is an entry in ClinVar:

ClinVar aggregate classification (germline): Benign/Likely benign. Review status: criteria provided, multiple submitters, no conflicts (2 of 4 stars). 2 submissions from 2 submitters: Benign (1); Likely benign (1). Last evaluated 2025-12-05.

Allele frequency attached by ClinVar (database versions not stated): gnomAD 0.00003 and 0.00009; TOPMed 0.00006; gnomAD exomes 0.00012 and 0.00023; ExAC 0.00024; 1000 Genomes Project 30x 0.00031.
gnomAD v4.1: 209 of 1,614,170 alleles (0.013%); highest among the groups gnomAD compares: South Asian, 0.18%; no homozygotes.

Submissions (2):

Labcorp Genetics (formerly Invitae), Labcorp
Classification: Benign. Last evaluated: 2025-12-05. Review status: criteria provided, single submitter. Criteria: Invitae Variant Classification Sherloc (09022015). Collection method: clinical testing. Allele origin: germline.

CeGaT Center for Human Genetics Tuebingen
Classification: Likely benign. Last evaluated: 2024-10-01. Review status: criteria provided, single submitter. Criteria: CeGaT Center For Human Genetics Tuebingen Variant Classification Criteria Version 2. Collection method: clinical testing. Allele origin: germline. Affected: yes. Observed: 1 variant allele.
Comment: HIVEP2: BP4, BP7

NM_006734.4(HIVEP2):c.1881A>G (p.Lys627=)

Gene: HIVEP2 (HIVEP zinc finger 2; minus strand). Cytogenetic location: 6q24.2.
Variant type: single nucleotide variant.
Coding change: c.1881A>G on transcript NM_006734.4 (MANE Select); coding-DNA position 1881, A replaced by G.
Protein change: p.Lys627=; no amino-acid change (lysine 627 retained).
Molecular consequence: synonymous variant.
Genome position (GRCh38, 1-based): chr6:142,772,858, T>C on the plus strand (A>G on the coding strand, the complement: HIVEP2 is on the minus strand). VCF-style: chr6-142772858-T-C. GRCh37 (hg19) VCF-style: chr6-143093995-T-C.
Identifiers: ClinVar variation 741912 (VCV000741912.23), dbSNP rs200268539, ClinGen allele CA4028520.